The following is an entry in ClinVar:

NM_032242.4(PLXNA1):c.1462C>T (p.Arg488Ter)

Gene: PLXNA1 (plexin A1; plus strand). Cytogenetic location: 3q21.3.
Variant type: single nucleotide variant.
Coding change: c.1462C>T on transcript NM_032242.4 (MANE Select); coding-DNA position 1462, C replaced by T.
Protein change: p.Arg488Ter; replaces arginine 488 with a stop codon.
Molecular consequence: nonsense.
Genome position (GRCh38, 1-based): chr3:127,003,414, C>T. VCF-style: chr3-127003414-C-T. GRCh37 (hg19) VCF-style: chr3-126722257-C-T.
Other names: short protein forms R488*.
Identifiers: ClinVar variation 4998199 (VCV004998199.1).

ClinVar aggregate classification (germline): Uncertain significance (1 of 4 stars; one submission).

Conditions:
PLXNA1-related disorder. Also called: PLXNA1-related condition.

gnomAD v4.1: 4 of 1,611,660 alleles (0.00025%); highest among the groups gnomAD compares: Non-Finnish European, 0.00034%; no homozygotes.

Submission:

PreventionGenetics, part of Exact Sciences
Classification: Uncertain significance for PLXNA1-related condition. Last evaluated: 2024-12-31. Review status: criteria provided, single submitter. Criteria: ACMG Guidelines, 2015. Collection method: clinical testing. Allele origin: germline.
Comment: The PLXNA1 c.1462C>T variant is predicted to result in premature protein termination (p.Arg488*). To our knowledge, this variant has not been reported in the literature. This variant is reported in 0.00089% of alleles in individuals of European (Non-Finnish) descent in gnomAD. Loss of function is not an established mechanism of PLXNA1-related disease. Although we suspect that this variant may be pathogenic, at this time, the clinical significance of this variant is uncertain due to the absence of conclusive functional and genetic evidence.